The following is an entry in ClinVar:

ClinVar aggregate classification (germline): Likely pathogenic (1 of 4 stars; one submission).

Conditions:
Maple syrup urine disease (MSUD). Identifiers: Orphanet 511, MedGen C0024776, MeSH D008375, MONDO:0009563. Disease mechanism: loss of function.

Submission:

Myriad Genetics, Inc.
Classification: Likely pathogenic for Maple syrup urine disease type 1A. Last evaluated: 2020-01-31. Review status: criteria provided, single submitter. Criteria: Myriad Women's Health Autosomal Recessive and X-Linked Classification Criteria (2019). Collection method: clinical testing. Allele origin: unknown.
Comment: NM_000709.3(BCKDHA):c.405T>A(Y135*) is expected to be pathogenic in the context of maple syrup urine disease type Ia. This variant is predicted to lead to an abnormal or absent protein product due to the creation of a premature termination codon in BCKDHA, a gene where loss-of-function variants are known to be pathogenic. Please note: this variant was assessed in the context of healthy population screening.

NM_000709.4(BCKDHA):c.405T>A (p.Tyr135Ter)

Gene: BCKDHA (branched chain keto acid dehydrogenase E1 subunit alpha; plus strand). Cytogenetic location: 19q13.2.
Variant type: single nucleotide variant.
Coding change: c.405T>A on transcript NM_000709.4 (MANE Select); coding-DNA position 405, T replaced by A.
Protein change: p.Tyr135Ter; replaces tyrosine 135 with a stop codon.
Molecular consequence: nonsense.
Genome position (GRCh38, 1-based): chr19:41,414,078, T>A. VCF-style: chr19-41414078-T-A. GRCh37 (hg19) VCF-style: chr19-41919983-T-A.
Other names: c.405T>A, p.Tyr135Ter (NM_001164783.2); short protein forms Y135*.
Identifiers: ClinVar variation 984331 (VCV000984331.3), dbSNP rs1459441231, ClinGen allele CA406007811.
Genomic context (GRCh38, chr19:41,414,078, plus strand): 5'-TGTGGGACCCCGGTCCCCTCTACACCCCCAGGGCCGGATCTCCTTCTACATGACCAACTA[T>A]GGTGAGGAGGGCACGCACGTGGGGAGTGCCGCCGCCCTGGACAACACGGACCTGGTGTTT-3'